The following is an entry in ClinVar:

NM_003242.6(TGFBR2):c.1134G>C (p.Arg378Ser)

Gene: TGFBR2 (transforming growth factor beta receptor 2; plus strand). Cytogenetic location: 3p24.1.
Variant type: single nucleotide variant.
Coding change: c.1134G>C on transcript NM_003242.6 (MANE Select); coding-DNA position 1134, G replaced by C.
Protein change: p.Arg378Ser; replaces arginine 378 with serine.
Molecular consequence: missense variant.
Genome position (GRCh38, 1-based): chr3:30,672,317, G>C. VCF-style: chr3-30672317-G-C. GRCh37 (hg19) VCF-style: chr3-30713809-G-C.
Other names: c.1209G>C, p.Arg403Ser (NM_001024847.3); c.1317G>C, p.Arg439Ser (NM_001407126.1); c.1242G>C, p.Arg414Ser (NM_001407127.1); c.1161G>C, p.Arg387Ser (NM_001407128.1); c.1137G>C, p.Arg379Ser (NM_001407129.1); c.1134G>C, p.Arg378Ser (NM_001407130.1); c.1029G>C, p.Arg343Ser (NM_001407132.1, NM_001407133.1, NM_001407134.1 and 2 more transcripts); c.849G>C, p.Arg283Ser (NM_001407137.1); and 1 more; short protein forms R378S, R403S, R258S, R283S, R343S, R379S, R414S, R387S.
Identifiers: ClinVar variation 1028591 (VCV001028591.9), dbSNP rs1575158079, ClinGen allele CA351808609.

ClinVar aggregate classification (germline): Conflicting classifications of pathogenicity. Review status: criteria provided, conflicting classifications (1 of 4 stars). 4 submissions from 4 submitters: Pathogenic (1); Likely pathogenic (2); Uncertain significance (1). Last evaluated 2026-04-01.

Conditions:
Malignant tumor of esophagus. Also called: Esophageal cancer; Esophageal cancer, somatic. Identifiers: Orphanet 99977, MedGen C0546837, MONDO:0007576, OMIM 133239.
Familial thoracic aortic aneurysm and aortic dissection (TAAD). Also called: Thoracic aortic aneurysms and dissections. Identifiers: Orphanet 91387, MedGen C4707243, MONDO:0019625.
Loeys-Dietz syndrome 2 (LDS2). Also called: TGFBR2-Related Loeys-Dietz Syndrome; AORTIC ANEURYSM, FAMILIAL THORACIC 3; MARFAN SYNDROME, TYPE II; Marfan syndrome, type 2 (formerly); Marfan Syndrome type 2; Marfan like connective tissue disorder. Identifiers: Orphanet 284973, Orphanet 558, MedGen C2674574, MONDO:0012427, OMIM 610168.

Submissions (4):

GeneDx
Classification: Uncertain significance. Last evaluated: 2026-04-01. Review status: criteria provided, single submitter. Criteria: GeneDx Variant Classification Process June 2021. Collection method: clinical testing. Allele origin: germline.
Comment: Not observed at significant frequency in large population cohorts (gnomAD); In silico analysis supports that this missense variant has a deleterious effect on protein structure/function; Has not been previously published as pathogenic or benign to our knowledge

Labcorp Genetics (formerly Invitae), Labcorp
Classification: Likely pathogenic for Familial thoracic aortic aneurysm and aortic dissection. Last evaluated: 2022-08-19. Review status: criteria provided, single submitter. Criteria: Invitae Variant Classification Sherloc (09022015). Collection method: clinical testing. Allele origin: germline.
Comment: This variant is not present in population databases (gnomAD no frequency). This variant has not been reported in the literature in individuals affected with TGFBR2-related conditions. ClinVar contains an entry for this variant (Variation ID: 1028591). Advanced modeling of protein sequence and biophysical properties (such as structural, functional, and spatial information, amino acid conservation, physicochemical variation, residue mobility, and thermodynamic stability) performed at Invitae indicates that this missense variant is expected to disrupt TGFBR2 protein function. This variant disrupts the p.Arg378 amino acid residue in TGFBR2. Other variant(s) that disrupt this residue have been determined to be pathogenic (Invitae). This suggests that this residue is clinically significant, and that variants that disrupt this residue are likely to be disease-causing. In summary, the currently available evidence indicates that the variant is pathogenic, but additional data are needed to prove that conclusively. Therefore, this variant has been classified as Likely Pathogenic. This sequence change replaces arginine, which is basic and polar, with serine, which is neutral and polar, at codon 378 of the TGFBR2 protein (p.Arg378Ser).

Mendelics
Classification: Pathogenic for Malignant tumor of esophagus. Last evaluated: 2022-05-04. Review status: criteria provided, single submitter. Criteria: Mendelics Assertion Criteria 2019. Collection method: clinical testing. Allele origin: germline.

Baylor Genetics
Classification: Likely pathogenic for Loeys-Dietz syndrome 2. Last evaluated: 2019-09-10. Review status: criteria provided, single submitter. Criteria: ACMG Guidelines, 2015. Collection method: clinical testing. Allele origin: de novo. Affected: yes.
Comment: This variant was determined to be likely pathogenic according to ACMG Guidelines, 2015 [PMID:25741868].